The following is an entry in ClinVar:

NM_032608.7(MYO18B):c.2485G>C (p.Ala829Pro)

Gene: MYO18B (myosin XVIIIB; plus strand). Cytogenetic location: 22q12.1.
Variant type: single nucleotide variant.
Coding change: c.2485G>C on transcript NM_032608.7 (MANE Select); coding-DNA position 2485, G replaced by C.
Protein change: p.Ala829Pro; replaces alanine 829 with proline.
Molecular consequence: missense variant.
Genome position (GRCh38, 1-based): chr22:25,798,061, G>C. VCF-style: chr22-25798061-G-C. GRCh37 (hg19) VCF-style: chr22-26194028-G-C.
Other names: c.2485G>C, p.Ala829Pro (NM_001318245.2); short protein forms A829P.
Identifiers: ClinVar variation 4722812 (VCV004722812.1).

ClinVar aggregate classification (germline): Uncertain significance (1 of 4 stars; one submission).

Submission:

Labcorp Genetics (formerly Invitae), Labcorp
Classification: Uncertain significance. Last evaluated: 2025-07-07. Review status: criteria provided, single submitter. Criteria: Invitae Variant Classification Sherloc (09022015). Collection method: clinical testing. Allele origin: germline.
Comment: This sequence change replaces alanine, which is neutral and non-polar, with proline, which is neutral and non-polar, at codon 829 of the MYO18B protein (p.Ala829Pro). This variant is not present in population databases (gnomAD no frequency). This variant has not been reported in the literature in individuals affected with MYO18B-related conditions. An algorithm developed to predict the effect of missense changes on protein structure and function (PolyPhen-2) suggests that this variant is likely to be disruptive. In summary, the available evidence is currently insufficient to determine the role of this variant in disease. Therefore, it has been classified as a Variant of Uncertain Significance.